The following is an entry in ClinVar:

NM_000035.4(ALDOB):c.282C>T (p.Phe94=)

Gene: ALDOB (aldolase, fructose-bisphosphate B; minus strand). Cytogenetic location: 9q31.1.
Variant type: single nucleotide variant.
Coding change: c.282C>T on transcript NM_000035.4 (MANE Select); coding-DNA position 282, C replaced by T.
Protein change: p.Phe94=; no amino-acid change (phenylalanine 94 retained).
Molecular consequence: synonymous variant.
Genome position (GRCh38, 1-based): chr9:101,429,797, G>A on the plus strand (C>T on the coding strand, the complement: ALDOB is on the minus strand). VCF-style: chr9-101429797-G-A. GRCh37 (hg19) VCF-style: chr9-104192079-G-A.
Identifiers: ClinVar variation 758843 (VCV000758843.21), dbSNP rs549682194, ClinGen allele CA5161684.
Genomic context (GRCh38, chr9:101,429,797, plus strand): 5'-GTGAATGGAGGTGTTCACCTTGATTCCCACCACGATCCCCTTTTCCTTGAGGATGTTTCT[G>A]AACAGCTTTCCCTGGCTGTCCTTCTGGTAGAGGGTCTCGTGGAAAAGGATCACACCCCCG-3'
Protein context (NP_000026.2, residues 84-104): LYQKDSQGKL[Phe94=]RNILKEKGIV

ClinVar aggregate classification (germline): Conflicting classifications of pathogenicity. Review status: criteria provided, conflicting classifications (1 of 4 stars). 5 submissions from 5 submitters: Uncertain significance (1); Likely benign (2). 2 of the submissions do not count toward it. Last evaluated 2026-01-28.

Conditions:
ALDOB-related disorder. Also called: ALDOB-related condition.
Hereditary fructosuria. Also called: Fructose intolerance; ALDOB DEFICIENCY; ALDOLASE B DEFICIENCY; FRUCTOSE-1,6-BISPHOSPHATE ALDOLASE B DEFICIENCY; FRUCTOSE-1-PHOSPHATE ALDOLASE DEFICIENCY; FRUCTOSEMIA. Identifiers: Orphanet 469, MedGen C0016751, MONDO:0009249, OMIM 229600, HP:0005973. Disease mechanism: loss of function.

Allele frequency attached by ClinVar (database versions not stated): TOPMed 0.00002.
gnomAD v4.1: 22 of 1,614,172 alleles (0.0014%); highest among the groups gnomAD compares: Middle Eastern, 0.016%; no homozygotes.

Submissions (5):

Labcorp Genetics (formerly Invitae), Labcorp
Classification: Likely benign for Hereditary fructosuria. Last evaluated: 2026-01-28. Review status: criteria provided, single submitter. Criteria: Invitae Variant Classification Sherloc (09022015). Collection method: clinical testing. Allele origin: germline.

Genome-Nilou Lab
Classification: Likely benign for Hereditary fructosuria. Last evaluated: 2021-05-18. Review status: criteria provided, single submitter. Criteria: ACMG Guidelines, 2015. Collection method: clinical testing. Allele origin: germline. Affected: no.

Illumina Laboratory Services, Illumina
Classification: Uncertain significance for Hereditary fructosuria. Last evaluated: 2018-01-13. Review status: criteria provided, single submitter. Criteria: ICSL Variant Classification Criteria 13 December 2019. Collection method: clinical testing. Allele origin: germline.

PreventionGenetics, part of Exact Sciences
Classification: Likely benign for ALDOB-related condition. Last evaluated: 2023-07-25. Review status: no assertion criteria provided. Collection method: clinical testing. Allele origin: germline. Not counted in ClinVar's aggregate classification.
Comment: This variant is classified as likely benign based on ACMG/AMP sequence variant interpretation guidelines (Richards et al. 2015 PMID: 25741868, with internal and published modifications).

Natera, Inc.
Classification: Uncertain significance for Fructose intolerance. Last evaluated: 2020-03-11. Review status: no assertion criteria provided. Collection method: clinical testing. Allele origin: germline. Not counted in ClinVar's aggregate classification.